The following is an entry in ClinVar:

ClinVar aggregate classification (germline): Uncertain significance. Review status: criteria provided, multiple submitters, no conflicts (2 of 4 stars). 2 submissions from 2 submitters: Uncertain significance (2). Last evaluated 2025-11-03.

Conditions:
Progressive myoclonic epilepsy type 5. Identifiers: Orphanet 402082, MedGen C5190799.

gnomAD v4.1: 22 of 1,614,028 alleles (0.0014%); highest among the groups gnomAD compares: South Asian, 0.0055%; no homozygotes.

Submissions (2):

Labcorp Genetics (formerly Invitae), Labcorp
Classification: Uncertain significance for Progressive myoclonic epilepsy type 5. Last evaluated: 2025-11-03. Review status: criteria provided, single submitter. Criteria: Invitae Variant Classification Sherloc (09022015). Collection method: clinical testing. Allele origin: germline.
Comment: This sequence change replaces arginine, which is basic and polar, with histidine, which is basic and polar, at codon 110 of the PRICKLE2 protein (p.Arg110His). This variant is present in population databases (rs780771278, gnomAD 0.01%). This variant has not been reported in the literature in individuals affected with PRICKLE2-related conditions. ClinVar contains an entry for this variant (Variation ID: 3424936). Invitae Evidence Modeling of protein sequence and biophysical properties (such as structural, functional, and spatial information, amino acid conservation, physicochemical variation, residue mobility, and thermodynamic stability) indicates that this missense variant is expected to disrupt PRICKLE2 protein function with a positive predictive value of 80%. In summary, the available evidence is currently insufficient to determine the role of this variant in disease. Therefore, it has been classified as a Variant of Uncertain Significance.

Ambry Genetics
Classification: Uncertain significance. Last evaluated: 2024-12-06. Review status: criteria provided, single submitter. Criteria: Ambry Variant Classification Scheme 2023. Collection method: clinical testing. Allele origin: germline.

NM_198859.4(PRICKLE2):c.329G>A (p.Arg110His)

Gene: PRICKLE2 (prickle planar cell polarity protein 2; minus strand). Cytogenetic location: 3p14.1.
Variant type: single nucleotide variant.
Coding change: c.329G>A on transcript NM_198859.4 (MANE Select); coding-DNA position 329, G replaced by A.
Protein change: p.Arg110His; replaces arginine 110 with histidine.
Molecular consequence: missense variant.
Genome position (GRCh38, 1-based): chr3:64,160,007, C>T on the plus strand (G>A on the coding strand, the complement: PRICKLE2 is on the minus strand). VCF-style: chr3-64160007-C-T. GRCh37 (hg19) VCF-style: chr3-64145683-C-T.
Other names: c.329G>A, p.Arg110His (NM_001370528.1); short protein forms R110H.
Identifiers: ClinVar variation 3424936 (VCV003424936.2).